The following is an entry in ClinVar:

NC_000023.10:g.(?_32827590)_(33229429_?)dup

Gene: DMD (dystrophin; minus strand). Cytogenetic location: Xp21.1.
Variant type: Duplication.
Identifiers: ClinVar variation 3242776 (VCV003242776.1).

ClinVar aggregate classification (germline): Likely pathogenic (1 of 4 stars; one submission).

Conditions:
Duchenne muscular dystrophy (DMD). Also called: MUSCULAR DYSTROPHY, PSEUDOHYPERTROPHIC PROGRESSIVE, DUCHENNE TYPE; Duchenne Muscular Dystrophy (DMD). Identifiers: Orphanet 98896, MedGen C0013264, MONDO:0010679, OMIM 310200.

Submission:

Labcorp Genetics (formerly Invitae), Labcorp
Classification: Likely pathogenic for Duchenne muscular dystrophy. Last evaluated: 2023-10-20. Review status: criteria provided, single submitter. Criteria: Invitae Variant Classification Sherloc (09022015). Collection method: clinical testing. Allele origin: unknown.
Comment: This variant results in a copy number gain of the genomic region encompassing exon(s) 1-7 of the DMD gene. This region includes the initiator codon of the gene. This copy number gain extends beyond the assayed region for this gene and therefore may encompass additional genes. As the precise location of this event is unknown, it may be in tandem or it may be located elsewhere in the genome. A similar copy number variant has been observed in individuals with Duchenne Muscular Dystrophy (PMID: 21515508; Invitae). In summary, the currently available evidence indicates that the variant is pathogenic, but additional data are needed to prove that conclusively. Therefore, this variant has been classified as Likely Pathogenic.

Literature cited by the submitters: PubMed 21515508.